The following is an entry in ClinVar:

ClinVar aggregate classification (germline): Likely benign. Review status: criteria provided, multiple submitters, no conflicts (2 of 4 stars). 2 submissions from 2 submitters: Likely benign (2). Last evaluated 2022-11-01.

Allele frequency attached by ClinVar (database versions not stated): gnomAD 0.00003; gnomAD exomes 0.00004; ESP Exome Variant Server 0.00008; ExAC 0.00012.
gnomAD v4.1: 78 of 1,597,596 alleles (0.0049%); highest among the groups gnomAD compares: Middle Eastern, 0.033%; no homozygotes.

Submissions (2):

CeGaT Center for Human Genetics Tuebingen
Classification: Likely benign. Last evaluated: 2022-11-01. Review status: criteria provided, single submitter. Criteria: CeGaT Center For Human Genetics Tuebingen Variant Classification Criteria Version 2. Collection method: clinical testing. Allele origin: germline. Affected: yes. Observed: 1 variant allele.
Comment: DGKZ: BP4, BP7

Labcorp Genetics (formerly Invitae), Labcorp
Classification: Likely benign. Last evaluated: 2022-02-10. Review status: criteria provided, single submitter. Criteria: Invitae Variant Classification Sherloc (09022015). Collection method: clinical testing. Allele origin: germline.

NM_001199267.2(DGKZ):c.1701G>A (p.Thr567=)

Gene: DGKZ (diacylglycerol kinase zeta; plus strand). Cytogenetic location: 11p11.2.
Variant type: single nucleotide variant.
Coding change: c.1701G>A on transcript NM_001199267.2 (MANE Select); coding-DNA position 1701, G replaced by A.
Protein change: p.Thr567=; no amino-acid change (threonine 567 retained).
Molecular consequence: synonymous variant.
Genome position (GRCh38, 1-based): chr11:46,375,039, G>A. VCF-style: chr11-46375039-G-A. GRCh37 (hg19) VCF-style: chr11-46396589-G-A.
Other names: c.2268G>A, p.Thr756= (NM_001105540.2); c.1704G>A, p.Thr568= (NM_001199266.2, NM_003646.4); c.1635G>A, p.Thr545= (NM_001199268.2); c.1752G>A, p.Thr584= (NM_201532.3); c.1716G>A, p.Thr572= (NM_201533.3).
Identifiers: ClinVar variation 1542085 (VCV001542085.31), dbSNP rs375351262, ClinGen allele CA5962938.
Genomic context (GRCh38, chr11:46,375,039, plus strand): 5'-CGACTTTGAGCCCCAGCGGCATGACGACGGCTACCTCGAGGTCATTGGCTTCACCATGAC[G>A]TCGTTGGTGAGTGGGCCCTGGGCCCATGGTGCCTGGGAGCACAGCCCAAAGGTGGAAGGG-3'
Protein context (NP_001186196.1, residues 557-577): GYLEVIGFTM[Thr567=]SLAALQVGGH